The following is an entry in ClinVar:

ClinVar aggregate classification (germline): Benign. Review status: criteria provided, multiple submitters, no conflicts (2 of 4 stars). 7 submissions from 7 submitters: Benign (7). Last evaluated 2026-02-04.

Conditions:
Autosomal recessive osteopetrosis 1. Also called: TCIRG1-Related Autosomal Recessive Osteopetrosis; ALBERS-SCHONBERG DISEASE, AUTOSOMAL RECESSIVE; TCIRG1-Related Osteopetrosis. Identifiers: Orphanet 667, MedGen C1850127, MONDO:0009815, OMIM 259700.

Allele frequency attached by ClinVar (database versions not stated): gnomAD exomes 0.24527 and 0.26444; ExAC 0.25661; ESP Exome Variant Server 0.28320; 1000 Genomes Project 0.29752; 1000 Genomes Project 30x 0.29966; gnomAD 0.31875 and 0.32688; TOPMed 0.32547.
gnomAD v4.1: 417,941 of 1,549,548 alleles (27%); highest among the groups gnomAD compares: African/African-American, 48%; 58,696 homozygotes.

Submissions (7):

Labcorp Genetics (formerly Invitae), Labcorp
Classification: Benign. Last evaluated: 2026-02-04. Review status: criteria provided, single submitter. Criteria: Invitae Variant Classification Sherloc (09022015). Collection method: clinical testing. Allele origin: germline.

Blueprint Genetics
Classification: Benign. Last evaluated: 2024-11-27. Review status: criteria provided, single submitter. Criteria: ACMG Guidelines, 2015. Collection method: clinical testing. Allele origin: germline.

Genome-Nilou Lab
Classification: Benign for Autosomal recessive osteopetrosis 1. Last evaluated: 2021-07-10. Review status: criteria provided, single submitter. Criteria: ACMG Guidelines, 2015. Collection method: clinical testing. Allele origin: germline. Affected: no.

Illumina Laboratory Services, Illumina
Classification: Benign for Autosomal recessive osteopetrosis 1. Last evaluated: 2018-01-13. Review status: criteria provided, single submitter. Criteria: ICSL Variant Classification Criteria 13 December 2019. Collection method: clinical testing. Allele origin: germline.
Comment: This variant was observed in the ICSL laboratory as part of a predisposition screen in an ostensibly healthy population. It had not been previously curated by ICSL or reported in the Human Gene Mutation Database (HGMD: prior to June 1st, 2018), and was therefore a candidate for classification through an automated scoring system. Utilizing variant allele frequency, disease prevalence and penetrance estimates, and inheritance mode, an automated score was calculated to assess if this variant is too frequent to cause the disease. Based on the score and internal cut-off values, a variant classified as benign is not then subjected to further curation. The score for this variant resulted in a classification of benign for this disease.

Laboratory for Molecular Medicine, Mass General Brigham Personalized Medicine
Classification: Benign. Last evaluated: 2016-03-29. Review status: criteria provided, single submitter. Criteria: LMM Criteria. Collection method: clinical testing. Allele origin: germline.
Comment: Variant identified in a genome or exome case(s) and assessed due to predicted null impact of the variant or pathogenic assertions in the literature or databases. Disclaimer: This variant has not undergone full assessment. The following are preliminary notes: Frequency

Eurofins Ntd Llc (ga)
Classification: Benign. Last evaluated: 2014-11-23. Review status: criteria provided, single submitter. Criteria: EGL Classification Definitions 2015. Collection method: clinical testing. Allele origin: germline. Observed: 1 variant allele, 1 heterozygote.

Breakthrough Genomics
Classification: Benign. Review status: criteria provided, single submitter. Criteria: ACMG Guidelines, 2015. Collection method: not provided. Allele origin: germline. Inheritance: Autosomal recessive inheritance. Affected: yes.

NM_006019.4(TCIRG1):c.417+11A>G

Gene: TCIRG1 (T cell immune regulator 1, ATPase H+ transporting V0 subunit a3; plus strand). Cytogenetic location: 11q13.2.
Variant type: single nucleotide variant.
Coding change: c.417+11A>G on transcript NM_006019.4 (MANE Select); 11 bases into the intron after coding-DNA position 417, A replaced by G.
Molecular consequence: intron variant.
Genome position (GRCh38, 1-based): chr11:68,042,874, A>G. VCF-style: chr11-68042874-A-G. GRCh37 (hg19) VCF-style: chr11-67810341-A-G.
Other names: c.-833+11A>G (NM_001351059.2).
Identifiers: ClinVar variation 197264 (VCV000197264.24), dbSNP rs3808974, ClinGen allele CA202784.